The following is an entry in ClinVar:

NM_022168.4(IFIH1):c.2800G>A (p.Glu934Lys)

Gene: IFIH1 (interferon induced with helicase C domain 1; minus strand). Cytogenetic location: 2q24.2.
Variant type: single nucleotide variant.
Coding change: c.2800G>A on transcript NM_022168.4 (MANE Select); coding-DNA position 2800, G replaced by A.
Protein change: p.Glu934Lys; replaces glutamic acid 934 with lysine.
Molecular consequence: missense variant.
Genome position (GRCh38, 1-based): chr2:162,268,094, C>T on the plus strand (G>A on the coding strand, the complement: IFIH1 is on the minus strand). VCF-style: chr2-162268094-C-T. GRCh37 (hg19) VCF-style: chr2-163124604-C-T.
Other names: short protein forms E934K.
Identifiers: ClinVar variation 2944261 (VCV002944261.3), dbSNP rs2468944416, ClinGen allele CA348990440.

ClinVar aggregate classification (germline): Uncertain significance (1 of 4 stars; one submission).

Conditions:
Aicardi-Goutieres syndrome 7 (AGS7). Identifiers: Orphanet 51, MedGen C3888244, MONDO:0014367, OMIM 615846.
Singleton-Merten syndrome 1 (SGMRT1). Also called: Widened medullary cavities of bone, aortic calcification, abnormal dentition, and muscular weakness; Syndrome of widened medullary cavities of the metacarpals and phalanges, aortic calcification and abnormal dentition. Identifiers: Orphanet 85191, MedGen C4225427, MONDO:0024535, OMIM 182250.

Submission:

Labcorp Genetics (formerly Invitae), Labcorp
Classification: Uncertain significance for Aicardi-Goutieres syndrome 7; Singleton-Merten syndrome 1. Last evaluated: 2024-11-05. Review status: criteria provided, single submitter. Criteria: Invitae Variant Classification Sherloc (09022015). Collection method: clinical testing. Allele origin: germline.
Comment: This sequence change replaces glutamic acid, which is acidic and polar, with lysine, which is basic and polar, at codon 934 of the IFIH1 protein (p.Glu934Lys). This variant is not present in population databases (gnomAD no frequency). This variant has not been reported in the literature in individuals affected with IFIH1-related conditions. ClinVar contains an entry for this variant (Variation ID: 2944261). An algorithm developed to predict the effect of missense changes on protein structure and function outputs the following: PolyPhen-2: "Benign". The lysine amino acid residue is found in multiple mammalian species, which suggests that this missense change does not adversely affect protein function. In summary, the available evidence is currently insufficient to determine the role of this variant in disease. Therefore, it has been classified as a Variant of Uncertain Significance.